The following is an entry in ClinVar:

NM_001127222.2(CACNA1A):c.5940+6C>T

Gene: CACNA1A (calcium voltage-gated channel subunit alpha1 A; minus strand). Cytogenetic location: 19p13.13.
Variant type: single nucleotide variant.
Coding change: c.5940+6C>T on transcript NM_001127222.2 (MANE Select); 6 bases into the intron after coding-DNA position 5940, C replaced by T.
Molecular consequence: intron variant.
Genome position (GRCh38, 1-based): chr19:13,214,227, G>A on the plus strand (C>T on the coding strand, the complement: CACNA1A is on the minus strand). VCF-style: chr19-13214227-G-A. GRCh37 (hg19) VCF-style: chr19-13325041-G-A.
Other names: c.5958+6C>T (NM_023035.3, NM_000068.4); c.5943+6C>T (NM_001127221.2); c.5949+6C>T (NM_001174080.2).
Identifiers: ClinVar variation 1035085 (VCV001035085.11), dbSNP rs909499550, ClinGen allele CA305552383.
Genomic context (GRCh38, chr19:13,214,227, plus strand): 5'-GTTCCCGTGGTGACATGCAAGCCACTGTCCCCAGCCCAGATGTCCCCAGAGCGGCGAACA[G>A]CGCACCTGCTCCTCGCGCATGGCCTGCAGCTTCTTGGCCTTGCTCTGCCGGTAGTACTCC-3'

ClinVar aggregate classification (germline): Uncertain significance (1 of 4 stars; one submission).

Conditions:
Developmental and epileptic encephalopathy, 42 (DEE42A). Also called: DEVELOPMENTAL AND EPILEPTIC ENCEPHALOPATHY 42A; EPILEPTIC ENCEPHALOPATHY, EARLY INFANTILE, 42A; Epileptic encephalopathy, early infantile, 42. Identifiers: MedGen C4310716, MONDO:0014917, OMIM 617106.
Episodic ataxia type 2 (EA2). Also called: CEREBELLAR ATAXIA, PAROXYSMAL, ACETAZOLAMIDE-RESPONSIVE; CEREBELLOPATHY, HEREDITARY PAROXYSMAL; EPISODIC ATAXIA, NYSTAGMUS-ASSOCIATED; ACETAZOLAMIDE-RESPONSIVE HEREDITARY PAROXYSMAL CEREBELLAR ATAXIA; ATAXIA, EPISODIC, WITH NYSTAGMUS; ATAXIA, FAMILIAL PAROXYSMAL. Identifiers: Orphanet 97, MedGen C1720416, MONDO:0007163, OMIM 108500.

Allele frequency attached by ClinVar (database versions not stated): gnomAD 0.00001; TOPMed 0.00001.
gnomAD v4.1: 7 of 1,604,428 alleles (0.00044%); highest among the groups gnomAD compares: Non-Finnish European, 0.00051%; no homozygotes.

Submission:

Labcorp Genetics (formerly Invitae), Labcorp
Classification: Uncertain significance for Developmental and epileptic encephalopathy, 42; Episodic ataxia type 2. Last evaluated: 2023-02-04. Review status: criteria provided, single submitter. Criteria: Invitae Variant Classification Sherloc (09022015). Collection method: clinical testing. Allele origin: germline.
Comment: This sequence change falls in intron 40 of the CACNA1A gene. It does not directly change the encoded amino acid sequence of the CACNA1A protein. It affects a nucleotide within the consensus splice site. This variant is not present in population databases (gnomAD no frequency). This variant has not been reported in the literature in individuals affected with CACNA1A-related conditions. ClinVar contains an entry for this variant (Variation ID: 1035085). Variants that disrupt the consensus splice site are a relatively common cause of aberrant splicing (PMID: 17576681, 9536098). Algorithms developed to predict the effect of sequence changes on RNA splicing suggest that this variant is not likely to affect RNA splicing. In summary, the available evidence is currently insufficient to determine the role of this variant in disease. Therefore, it has been classified as a Variant of Uncertain Significance.

Literature cited by the submitters: PubMed 17576681; PubMed 9536098.